The following is an entry in ClinVar:

NM_000179.3(MSH6):c.3099G>A (p.Met1033Ile)

Gene: MSH6 (mutS homolog 6; plus strand). Cytogenetic location: 2p16.3.
Variant type: single nucleotide variant.
Coding change: c.3099G>A on transcript NM_000179.3 (MANE Select); coding-DNA position 3099, G replaced by A.
Protein change: p.Met1033Ile; replaces methionine 1033 with isoleucine.
Molecular consequence: missense variant.
Genome position (GRCh38, 1-based): chr2:47,801,082, G>A. VCF-style: chr2-47801082-G-A. GRCh37 (hg19) VCF-style: chr2-48028221-G-A.
Other names: c.2709G>A, p.Met903Ile (NM_001281492.2); c.2193G>A, p.Met731Ile (NM_001281493.2, NM_001281494.2, NM_001406811.1 and 6 more transcripts); c.3195G>A, p.Met1065Ile (NM_001406795.1, NM_001406802.1); c.3099G>A, p.Met1033Ile (NM_001406796.1, NM_001406798.1, NM_001406800.1 and 2 more transcripts); c.2802G>A, p.Met934Ile (NM_001406797.1, NM_001406801.1, NM_001406805.1 and 10 more transcripts); c.2574G>A, p.Met858Ile (NM_001406799.1, NM_001406806.1, NM_001406807.1); c.3021G>A, p.Met1007Ile (NM_001406804.1); c.3105G>A, p.Met1035Ile (NM_001406813.1); and 2 more; short protein forms M1007I, M731I, M1065I, M934I, M977I, M1035I, M903I, M1033I.
Identifiers: ClinVar variation 1727543 (VCV001727543.2), dbSNP rs2104440054, ClinGen allele CA346756601.
Genomic context (GRCh38, chr2:47,801,082, plus strand): 5'-GAAGTTGGCTAATCTCATAAATGCTGAAGAACGGAGGGATGTATCATTGAAGGACTGCAT[G>A]CGGCGACTGTTCTATAACTTTGATAAAAATTACAAGGACTGGCAGTCTGCTGTAGAGTGT-3'
Protein context (NP_000170.1, residues 1023-1043): ERRDVSLKDC[Met1033Ile]RRLFYNFDKN

ClinVar aggregate classification (germline): Uncertain significance (1 of 4 stars; one submission).

Conditions:
Hereditary cancer-predisposing syndrome. Also called: Tumor predisposition; Neoplastic Syndromes, Hereditary; Hereditary Cancer Syndrome; Hereditary neoplastic syndrome. Identifiers: Orphanet 140162, MedGen C0027672, MeSH D009386, MONDO:0015356.

Submission:

Ambry Genetics
Classification: Uncertain significance for Hereditary cancer-predisposing syndrome. Last evaluated: 2021-04-01. Review status: criteria provided, single submitter. Criteria: Ambry Variant Classification Scheme 2023. Collection method: clinical testing. Allele origin: germline.
Comment: The p.M1033I variant (also known as c.3099G>A), located in coding exon 4 of the MSH6 gene, results from a G to A substitution at nucleotide position 3099. The methionine at codon 1033 is replaced by isoleucine, an amino acid with highly similar properties. This amino acid position is highly conserved in available vertebrate species. In addition, this alteration is predicted to be deleterious by in silico analysis. Since supporting evidence is limited at this time, the clinical significance of this alteration remains unclear.